The following is an entry in ClinVar:

ClinVar aggregate classification (germline): Likely pathogenic (1 of 4 stars; one submission).

Conditions:
Lynch syndrome. Identifiers: Orphanet 144, MedGen C4552100, MONDO:0005835. Disease mechanism: loss of function.

Submission:

Department of Clinical Genetics, Copenhagen University Hospital, Rigshospitalet
Classification: Likely pathogenic for Lynch syndrome. Last evaluated: 2025-02-04. Review status: criteria provided, single submitter. Criteria: ACMG Guidelines, 2015. Collection method: clinical testing. Allele origin: germline.
Comment: PVS1; PM2_SUP;

NM_000179.3(MSH6):c.3805dup (p.Cys1269fs)

Gene: MSH6 (mutS homolog 6; plus strand). Cytogenetic location: 2p16.3.
Variant type: Duplication.
Coding change: c.3805dup on transcript NM_000179.3 (MANE Select); coding-DNA position 3805, one base duplicated (T; older notation c.3805dupT).
Protein change: p.Cys1269fs; shifts the reading frame from cysteine 1269.
Molecular consequence: frameshift variant. On other transcripts: non-coding transcript variant (5), intron variant (2).
Genome position (GRCh38, 1-based): chr2:47,806,455, T duplicated. VCF-style (leftmost placement, unchanged base first): chr2-47806454-A-AT. GRCh37 (hg19) VCF-style: chr2-48033593-A-AT.
Other names: c.3415dup, p.Cys1139fs (NM_001281492.2); c.2899dup, p.Cys967fs (NM_001281493.2, NM_001281494.2, NM_001406811.1 and 6 more transcripts); c.3901dup, p.Cys1301fs (NM_001406795.1); c.3805dup, p.Cys1269fs (NM_001406796.1, NM_001406808.1, NM_001406809.1); c.3508dup, p.Cys1170fs (NM_001406797.1, NM_001406801.1, NM_001406805.1 and 10 more transcripts); c.3631dup, p.Cys1211fs (NM_001406798.1); c.3280dup, p.Cys1094fs (NM_001406799.1, NM_001406806.1, NM_001406807.1); c.2941dup, p.Cys981fs (NM_001406803.1); and 9 more; short protein forms C1094fs, C1139fs, C1170fs, C1211fs, C1213fs, C1243fs, C1269fs, C1271fs.
Identifiers: ClinVar variation 3602790 (VCV003602790.2).